The following is an entry in ClinVar:

NM_201378.4(PLEC):c.71-1033G>C

Genes: PLEC (plectin; minus strand), LOC130001339 (ATAC-STARR-seq lymphoblastoid silent region 19631; plus strand). Cytogenetic location: 8q24.3.
Variant type: single nucleotide variant.
Coding change: c.71-1033G>C on transcript NM_201378.4 (MANE Plus Clinical); 1033 bases into the intron before coding-DNA position 71, G replaced by C.
Molecular consequence: intron variant.
Genome position (GRCh38, 1-based): chr8:143,939,725, C>G on the plus strand (G>C on the coding strand, the complement: PLEC is on the minus strand). VCF-style: chr8-143939725-C-G. GRCh37 (hg19) VCF-style: chr8-145013893-C-G.
Other names: c.194-1033G>C (NM_001410941.1, NM_000445.5); c.47-1033G>C (NM_201379.3); c.524-1033G>C (NM_201380.4); c.17-1033G>C (NM_201381.3); c.113-1033G>C (NM_201382.4); c.125-1033G>C (NM_201383.3).
Identifiers: ClinVar variation 667860 (VCV000667860.4), dbSNP rs4073081, ClinGen allele CA12801452.

ClinVar aggregate classification (germline): Benign. Review status: criteria provided, multiple submitters, no conflicts (2 of 4 stars). 2 submissions from 2 submitters: Benign (2). Last evaluated 2018-06-19.

Allele frequency attached by ClinVar (database versions not stated): 1000 Genomes Project 0.23562; 1000 Genomes Project 30x 0.23641; TOPMed 0.28016; gnomAD 0.29731 and 0.29566.
gnomAD v4.1: 429,141 of 1,162,514 alleles (37%); highest among the groups gnomAD compares: Non-Finnish European, 40%; 84,070 homozygotes.

Submissions (2):

GeneDx
Classification: Benign. Last evaluated: 2018-06-19. Review status: criteria provided, single submitter. Criteria: GeneDx Variant Classification (06012015). Collection method: clinical testing. Allele origin: germline. Affected: yes.
Comment: This variant is considered likely benign or benign based on one or more of the following criteria: it is a conservative change, it occurs at a poorly conserved position in the protein, it is predicted to be benign by multiple in silico algorithms, and/or has population frequency not consistent with disease.

Breakthrough Genomics
Classification: Benign. Review status: criteria provided, single submitter. Criteria: ACMG Guidelines, 2015. Collection method: not provided. Allele origin: germline. Inheritance: Autosomal recessive inheritance. Affected: yes.